The following is an entry in ClinVar:

ClinVar aggregate classification (germline): Uncertain significance (1 of 4 stars; one submission).

Conditions:
Hereditary spastic paraplegia 75. Also called: Spastic paraplegia 75, autosomal recessive. Identifiers: Orphanet 459056, MedGen C4225250, MONDO:0014729, OMIM 616680.

Allele frequency attached by ClinVar (database versions not stated): ExAC 0.00007; 1000 Genomes Project 30x 0.00031; TOPMed 0.00002; gnomAD exomes 0.00004; gnomAD 0.00007; 1000 Genomes Project 0.00020.
gnomAD v4.1: 75 of 1,614,198 alleles (0.0046%); highest among the groups gnomAD compares: South Asian, 0.059%; 1 homozygote.

Submission:

Labcorp Genetics (formerly Invitae), Labcorp
Classification: Uncertain significance for Hereditary spastic paraplegia 75. Last evaluated: 2024-10-25. Review status: criteria provided, single submitter. Criteria: Invitae Variant Classification Sherloc (09022015). Collection method: clinical testing. Allele origin: germline.
Comment: This sequence change replaces threonine, which is neutral and polar, with methionine, which is neutral and non-polar, at codon 342 of the MAG protein (p.Thr342Met). This variant is present in population databases (rs199924214, gnomAD 0.08%). This variant has not been reported in the literature in individuals affected with MAG-related conditions. ClinVar contains an entry for this variant (Variation ID: 2040457). Invitae Evidence Modeling of protein sequence and biophysical properties (such as structural, functional, and spatial information, amino acid conservation, physicochemical variation, residue mobility, and thermodynamic stability) indicates that this missense variant is not expected to disrupt MAG protein function with a negative predictive value of 80%. In summary, the available evidence is currently insufficient to determine the role of this variant in disease. Therefore, it has been classified as a Variant of Uncertain Significance.

NM_002361.4(MAG):c.1025C>T (p.Thr342Met)

Gene: MAG (myelin associated glycoprotein; plus strand). Cytogenetic location: 19q13.12.
Variant type: single nucleotide variant.
Coding change: c.1025C>T on transcript NM_002361.4 (MANE Select); coding-DNA position 1025, C replaced by T.
Protein change: p.Thr342Met; replaces threonine 342 with methionine.
Molecular consequence: missense variant.
Genome position (GRCh38, 1-based): chr19:35,302,502, C>T. VCF-style: chr19-35302502-C-T. GRCh37 (hg19) VCF-style: chr19-35793405-C-T.
Other names: c.950C>T, p.Thr317Met (NM_001199216.2); c.1025C>T, p.Thr342Met (NM_080600.3); short protein forms T317M, T342M.
Identifiers: ClinVar variation 2040457 (VCV002040457.4), dbSNP rs199924214, ClinGen allele CA9376162.